The following is an entry in ClinVar:

ClinVar aggregate classification (germline): Uncertain significance. Review status: criteria provided, multiple submitters, no conflicts (2 of 4 stars). 3 submissions from 3 submitters: Uncertain significance (3). Last evaluated 2023-11-03.

Conditions:
Inborn genetic diseases. Identifiers: MedGen C0950123, MeSH D030342.
Primary immunodeficiency with post-measles-mumps-rubella vaccine viral infection. Also called: Immunodeficiency 44. Identifiers: Orphanet 431166, MedGen C4225260, MONDO:0014715, OMIM 616636.

Allele frequency attached by ClinVar (database versions not stated): ExAC 0.00001; gnomAD 0.00001; TOPMed 0.00001.

Submissions (3):

Labcorp Genetics (formerly Invitae), Labcorp
Classification: Uncertain significance for Primary immunodeficiency with post-measles-mumps-rubella vaccine viral infection. Last evaluated: 2023-11-03. Review status: criteria provided, single submitter. Criteria: Invitae Variant Classification Sherloc (09022015). Collection method: clinical testing. Allele origin: germline.
Comment: This sequence change replaces arginine, which is basic and polar, with histidine, which is basic and polar, at codon 409 of the STAT2 protein (p.Arg409His). This variant is present in population databases (rs769819847, gnomAD 0.007%). This variant has not been reported in the literature in individuals affected with STAT2-related conditions. ClinVar contains an entry for this variant (Variation ID: 1998030). Advanced modeling of protein sequence and biophysical properties (such as structural, functional, and spatial information, amino acid conservation, physicochemical variation, residue mobility, and thermodynamic stability) performed at Invitae indicates that this missense variant is expected to disrupt STAT2 protein function with a positive predictive value of 95%. In summary, the available evidence is currently insufficient to determine the role of this variant in disease. Therefore, it has been classified as a Variant of Uncertain Significance.

Blueprint Genetics
Classification: Uncertain significance. Last evaluated: 2022-04-21. Review status: criteria provided, single submitter. Criteria: ACMG Guidelines, 2015. Collection method: clinical testing. Allele origin: germline.

Ambry Genetics
Classification: Uncertain significance for Inborn genetic diseases. Last evaluated: 2022-04-13. Review status: criteria provided, single submitter. Criteria: Ambry Variant Classification Scheme 2023. Collection method: clinical testing. Allele origin: germline.

NM_005419.4(STAT2):c.1226G>A (p.Arg409His)

Gene: STAT2 (signal transducer and activator of transcription 2; minus strand). Cytogenetic location: 12q13.3.
Variant type: single nucleotide variant.
Coding change: c.1226G>A on transcript NM_005419.4 (MANE Select); coding-DNA position 1226, G replaced by A.
Protein change: p.Arg409His; replaces arginine 409 with histidine.
Molecular consequence: missense variant.
Genome position (GRCh38, 1-based): chr12:56,349,620, C>T on the plus strand (G>A on the coding strand, the complement: STAT2 is on the minus strand). VCF-style: chr12-56349620-C-T. GRCh37 (hg19) VCF-style: chr12-56743404-C-T.
Other names: c.1193G>A, p.Arg398His (NM_001385110.1); c.1226G>A, p.Arg409His (NM_001385111.1, NM_001385113.1); c.1205G>A, p.Arg402His (NM_001385114.1); c.1214G>A, p.Arg405His (NM_001385115.1, NM_198332.2); short protein forms R398H, R405H, R402H, R409H.
Identifiers: ClinVar variation 1998030 (VCV001998030.4), dbSNP rs769819847, ClinGen allele CA6630589.